The following is an entry in ClinVar:

ClinVar aggregate classification (germline): Uncertain significance. Review status: criteria provided, multiple submitters, no conflicts (2 of 4 stars). 4 submissions from 4 submitters: Uncertain significance (2). 2 of the submissions do not count toward it. Last evaluated 2025-09-03.

Conditions:
Inborn genetic diseases. Identifiers: MedGen C0950123, MeSH D030342.
Autosomal recessive nonsyndromic hearing loss 36. Also called: Deafness, autosomal recessive 36; DEAFNESS, AUTOSOMAL RECESSIVE 36, WITH VESTIBULAR INVOLVEMENT. Identifiers: Orphanet 90636, MedGen C1837007, MONDO:0012170, OMIM 609006.

Allele frequency attached by ClinVar (database versions not stated): gnomAD 0.00004 and 0.00005; gnomAD exomes 0.00006 and 0.00007; TOPMed 0.00006; ExAC 0.00014.
gnomAD v4.1: 96 of 1,602,026 alleles (0.006%); highest among the groups gnomAD compares: Middle Eastern, 0.033%; no homozygotes.

Submissions (4):

Institute of Immunology and Genetics Kaiserslautern
Classification: Uncertain significance for Autosomal recessive nonsyndromic hearing loss 36. Last evaluated: 2025-09-03. Review status: criteria provided, single submitter. Criteria: ACMG Guidelines, 2015. Collection method: clinical testing. Allele origin: germline. Affected: yes.
Comment: ACMG Criteria: PM2_P, PP3; Variant was found in heterozygous state.

Ambry Genetics
Classification: Uncertain significance for Inborn genetic diseases. Last evaluated: 2025-08-03. Review status: criteria provided, single submitter. Criteria: Ambry Variant Classification Scheme 2023. Collection method: clinical testing. Allele origin: germline.

Clinical Genetics DNA and cytogenetics Diagnostics Lab, Erasmus MC, Erasmus Medical Center
Classification: Uncertain significance. Review status: no assertion criteria provided. Collection method: clinical testing. Allele origin: germline. Affected: yes. Study: VKGL Data-share Consensus. Not counted in ClinVar's aggregate classification.

Joint Genome Diagnostic Labs from Nijmegen and Maastricht, Radboudumc and MUMC+
Classification: Uncertain significance. Review status: no assertion criteria provided. Collection method: clinical testing. Allele origin: germline. Affected: yes. Study: VKGL Data-share Consensus. Not counted in ClinVar's aggregate classification.

NM_031475.3(ESPN):c.2239G>A (p.Gly747Ser)

Gene: ESPN (espin; plus strand). Cytogenetic location: 1p36.31.
Variant type: single nucleotide variant.
Coding change: c.2239G>A on transcript NM_031475.3 (MANE Select); coding-DNA position 2239, G replaced by A.
Protein change: p.Gly747Ser; replaces glycine 747 with serine.
Molecular consequence: missense variant.
Genome position (GRCh38, 1-based): chr1:6,452,010, G>A. VCF-style: chr1-6452010-G-A. GRCh37 (hg19) VCF-style: chr1-6512070-G-A.
Other names: c.2239G>A (NM_031475.2); c.2149G>A, p.Gly717Ser (NM_001367473.1); c.2176G>A, p.Gly726Ser (NM_001367474.1); short protein forms G717S, G726S, G747S.
Identifiers: ClinVar variation 1297731 (VCV001297731.5), dbSNP rs547326011, ClinGen allele CA560431.